The following is an entry in ClinVar:

NM_004727.3(SLC24A1):c.2596G>A (p.Glu866Lys)

Gene: SLC24A1 (solute carrier family 24 member 1; plus strand). Cytogenetic location: 15q22.31.
Variant type: single nucleotide variant.
Coding change: c.2596G>A on transcript NM_004727.3 (MANE Select); coding-DNA position 2596, G replaced by A.
Protein change: p.Glu866Lys; replaces glutamic acid 866 with lysine.
Molecular consequence: missense variant.
Genome position (GRCh38, 1-based): chr15:65,650,745, G>A. VCF-style: chr15-65650745-G-A. GRCh37 (hg19) VCF-style: chr15-65943083-G-A.
Other names: c.577G>A, p.Glu193Lys (NM_001254740.2); c.2596G>A, p.Glu866Lys (NM_001301031.1); c.2542G>A, p.Glu848Lys (NM_001301032.1, NM_001301033.2); short protein forms E848K, E866K, E193K.
Identifiers: ClinVar variation 1506263 (VCV001506263.8), dbSNP rs748865379, ClinGen allele CA7620156.

ClinVar aggregate classification (germline): Uncertain significance (1 of 4 stars; one submission).

Allele frequency attached by ClinVar (database versions not stated): gnomAD exomes below 0.00001; ExAC 0.00002.

Submission:

Labcorp Genetics (formerly Invitae), Labcorp
Classification: Uncertain significance. Last evaluated: 2022-07-06. Review status: criteria provided, single submitter. Criteria: Invitae Variant Classification Sherloc (09022015). Collection method: clinical testing. Allele origin: germline.
Comment: In summary, the available evidence is currently insufficient to determine the role of this variant in disease. Therefore, it has been classified as a Variant of Uncertain Significance. This sequence change replaces glutamic acid, which is acidic and polar, with lysine, which is basic and polar, at codon 866 of the SLC24A1 protein (p.Glu866Lys). The frequency data for this variant in the population databases is considered unreliable, as metrics indicate poor data quality at this position in the gnomAD database. This variant has not been reported in the literature in individuals affected with SLC24A1-related conditions. ClinVar contains an entry for this variant (Variation ID: 1506263). Algorithms developed to predict the effect of missense changes on protein structure and function are either unavailable or do not agree on the potential impact of this missense change (SIFT: "Tolerated"; PolyPhen-2: "Possibly Damaging"; Align-GVGD: "Class C0").